The following is an entry in ClinVar:

ClinVar aggregate classification (germline): Benign/Likely benign. Review status: criteria provided, multiple submitters, no conflicts (2 of 4 stars). 6 submissions from 6 submitters: Benign (2); Likely benign (3). 1 of the submissions does not count toward it. Last evaluated 2025-09-11.

Conditions:
SMAD3-related disorder. Also called: SMAD3-related condition.
Familial thoracic aortic aneurysm and aortic dissection (TAAD). Also called: Thoracic aortic aneurysms and dissections. Identifiers: Orphanet 91387, MedGen C4707243, MONDO:0019625.
Aneurysm-osteoarthritis syndrome. Also called: SMAD3-Related Loeys-Dietz Syndrome; ANEURYSMS-OSTEOARTHRITIS SYNDROME; LOEYS-DIETZ SYNDROME WITH OSTEOARTHRITIS; Loeys-Dietz syndrome, type 1C. Identifiers: Orphanet 284984, MedGen C3151087, MONDO:0013426, OMIM 613795.

Allele frequency attached by ClinVar (database versions not stated): gnomAD below 0.00001 and 0.00002; gnomAD exomes 0.00007; ExAC 0.00016.
gnomAD v4.1: 60 of 1,608,520 alleles (0.0037%); highest among the groups gnomAD compares: South Asian, 0.061%; 2 homozygotes.

Submissions (6):

Labcorp Genetics (formerly Invitae), Labcorp
Classification: Likely benign for Familial thoracic aortic aneurysm and aortic dissection. Last evaluated: 2025-09-11. Review status: criteria provided, single submitter. Criteria: Invitae Variant Classification Sherloc (09022015). Collection method: clinical testing. Allele origin: germline.

All of Us Research Program, National Institutes of Health
Classification: Benign for Aneurysm-osteoarthritis syndrome. Last evaluated: 2024-02-05. Review status: criteria provided, single submitter. Criteria: ACMG Guidelines, 2015. Collection method: clinical testing. Allele origin: germline. Inheritance: Autosomal dominant inheritance. Observed: 4 variant alleles, 4 heterozygotes.
Comment: This study involves interpretation of variants in research participants for the purpose of population health screening. Participant phenotype was not available at the time of variant classification. Additional details can be found in publication PMID: 35346344, PMCID: PMC8962531

Blueprint Genetics
Classification: Likely benign. Last evaluated: 2023-10-17. Review status: criteria provided, single submitter. Criteria: ACMG Guidelines, 2015. Collection method: clinical testing. Allele origin: germline.

Ambry Genetics
Classification: Likely benign for Familial thoracic aortic aneurysm and aortic dissection. Last evaluated: 2021-09-16. Review status: criteria provided, single submitter. Criteria: Ambry Variant Classification Scheme 2023. Collection method: clinical testing. Allele origin: germline.

Color Diagnostics, LLC DBA Color Health
Classification: Benign for Familial thoracic aortic aneurysm and aortic dissection. Last evaluated: 2021-01-12. Review status: criteria provided, single submitter. Criteria: ACMG Guidelines, 2015. Collection method: clinical testing. Allele origin: germline.

PreventionGenetics, part of Exact Sciences
Classification: Likely benign for SMAD3-related condition. Last evaluated: 2021-04-27. Review status: no assertion criteria provided. Collection method: clinical testing. Allele origin: germline. Not counted in ClinVar's aggregate classification.
Comment: This variant is classified as likely benign based on ACMG/AMP sequence variant interpretation guidelines (Richards et al. 2015 PMID: 25741868, with internal and published modifications).

NM_005902.4(SMAD3):c.27C>T (p.Pro9=)

Genes: SMAD3 (SMAD family member 3; plus strand), LOC130057352 (ATAC-STARR-seq lymphoblastoid silent region 6574; plus strand). Cytogenetic location: 15q22.33.
Variant type: single nucleotide variant.
Coding change: c.27C>T on transcript NM_005902.4 (MANE Select); coding-DNA position 27, C replaced by T.
Protein change: p.Pro9=; no amino-acid change (proline 9 retained).
Molecular consequence: synonymous variant.
Genome position (GRCh38, 1-based): chr15:67,066,181, C>T. VCF-style: chr15-67066181-C-T. GRCh37 (hg19) VCF-style: chr15-67358519-C-T.
Identifiers: ClinVar variation 543914 (VCV000543914.19), dbSNP rs765454938, ClinGen allele CA062095.